The following is an entry in ClinVar:

ClinVar aggregate classification (germline): Uncertain significance (1 of 4 stars; one submission).

Conditions:
Inborn genetic diseases. Identifiers: MedGen C0950123, MeSH D030342.

Submission:

Ambry Genetics
Classification: Uncertain significance for Inborn genetic diseases. Last evaluated: 2026-06-14. Review status: criteria provided, single submitter. Criteria: Ambry Variant Classification Scheme 2023. Collection method: clinical testing. Allele origin: germline.
Comment: The p.I369V variant (also known as c.1105A>G), located in coding exon 5 of the SH2B3 gene, results from an A to G substitution at nucleotide position 1105. The isoleucine at codon 369 is replaced by valine, an amino acid with highly similar properties. This amino acid position is conserved. In addition, the in silico prediction for this alteration is inconclusive. Based on the available evidence, the clinical significance of this variant remains unclear.

NM_005475.3(SH2B3):c.1105A>G (p.Ile369Val)

Gene: SH2B3 (SH2B adaptor protein 3; plus strand). Cytogenetic location: 12q24.12.
Variant type: single nucleotide variant.
Coding change: c.1105A>G on transcript NM_005475.3 (MANE Select); coding-DNA position 1105, A replaced by G.
Protein change: p.Ile369Val; replaces isoleucine 369 with valine.
Molecular consequence: missense variant.
Genome position (GRCh38, 1-based): chr12:111,447,413, A>G. VCF-style: chr12-111447413-A-G. GRCh37 (hg19) VCF-style: chr12-111885217-A-G.
Other names: c.499A>G, p.Ile167Val (NM_001291424.1); short protein forms I167V, I369V.
Identifiers: ClinVar variation 4864473 (VCV004864473.1).